The following is an entry in ClinVar:

ClinVar aggregate classification (germline): Likely benign (1 of 4 stars; one submission).

Submission:

CeGaT Center for Human Genetics Tuebingen
Classification: Likely benign. Last evaluated: 2026-08-01. Review status: criteria provided, single submitter. Criteria: CeGaT Center For Human Genetics Tuebingen Variant Classification Criteria Version 2. Collection method: clinical testing. Allele origin: germline. Affected: yes. Observed: 2 variant alleles.
Comment: SLC7A7: PM2:Supporting, BP4, BP7

NM_003982.4(SLC7A7):c.468T>A (p.Ala156=)

Gene: SLC7A7 (solute carrier family 7 member 7; minus strand). Cytogenetic location: 14q11.2.
Variant type: single nucleotide variant.
Coding change: c.468T>A on transcript NM_003982.4 (MANE Select); coding-DNA position 468, T replaced by A.
Protein change: p.Ala156=; no amino-acid change (alanine 156 retained).
Molecular consequence: synonymous variant.
Genome position (GRCh38, 1-based): chr14:22,812,931, A>T on the plus strand (T>A on the coding strand, the complement: SLC7A7 is on the minus strand). VCF-style: chr14-22812931-A-T. GRCh37 (hg19) VCF-style: chr14-23282140-A-T.
Other names: c.468T>A, p.Ala156= (NM_001126105.3, NM_001126106.4).
Identifiers: ClinVar variation 4873545 (VCV004873545.2).